The following is an entry in ClinVar:

NM_005726.6(TSFM):c.571+11G>T

Gene: TSFM (Ts translation elongation factor, mitochondrial; plus strand). Cytogenetic location: 12q14.1.
Variant type: single nucleotide variant.
Coding change: c.571+11G>T on transcript NM_005726.6 (MANE Select); 11 bases into the intron after coding-DNA position 571, G replaced by T.
Molecular consequence: intron variant.
Genome position (GRCh38, 1-based): chr12:57,793,084, G>T. VCF-style: chr12-57793084-G-T. GRCh37 (hg19) VCF-style: chr12-58186867-G-T.
Other names: c.571+11G>T (NM_001172697.2); c.634+11G>T (NM_001172696.2); c.484-3093G>T (NM_001172695.2).
Identifiers: ClinVar variation 389053 (VCV000389053.1), dbSNP rs1057523312, ClinGen allele CA16607399.

ClinVar aggregate classification (germline): Likely benign (1 of 4 stars; one submission).

Allele frequency attached by ClinVar (database versions not stated): gnomAD exomes below 0.00001.
gnomAD v4.1: 1 of 1,610,164 alleles (0.000062%); highest among the groups gnomAD compares: Non-Finnish European, 0.000085%; no homozygotes.

Submission:

GeneDx
Classification: Likely benign. Last evaluated: 2016-09-14. Review status: criteria provided, single submitter. Criteria: GeneDx Variant Classification (06012015). Collection method: clinical testing. Allele origin: germline. Affected: yes.
Comment: This variant is considered likely benign or benign based on one or more of the following criteria: it is a conservative change, it occurs at a poorly conserved position in the protein, it is predicted to be benign by multiple in silico algorithms, and/or has population frequency not consistent with disease.